The following is an entry in ClinVar:

ClinVar aggregate classification (germline): Uncertain significance (1 of 4 stars; one submission).

Submission:

CeGaT Center for Human Genetics Tuebingen
Classification: Uncertain significance. Last evaluated: 2026-09-01. Review status: criteria provided, single submitter. Criteria: CeGaT Center For Human Genetics Tuebingen Variant Classification Criteria Version 2. Collection method: clinical testing. Allele origin: germline. Affected: yes. Observed: 1 variant allele.
Comment: ANKRD17: PM2

NM_032217.5(ANKRD17):c.979G>C (p.Val327Leu)

Gene: ANKRD17 (ankyrin repeat domain 17; minus strand). Cytogenetic location: 4q13.3.
Variant type: single nucleotide variant.
Coding change: c.979G>C on transcript NM_032217.5 (MANE Select); coding-DNA position 979, G replaced by C.
Protein change: p.Val327Leu; replaces valine 327 with leucine.
Molecular consequence: missense variant.
Genome position (GRCh38, 1-based): chr4:73,155,652, C>G on the plus strand (G>C on the coding strand, the complement: ANKRD17 is on the minus strand). VCF-style: chr4-73155652-C-G. GRCh37 (hg19) VCF-style: chr4-74021369-C-G.
Other names: c.640G>C, p.Val214Leu (NM_001286771.3); c.979G>C, p.Val327Leu (NM_015574.2, NM_198889.3); short protein forms V214L, V327L.
Identifiers: ClinVar variation 5041792 (VCV005041792.1).